The following is an entry in ClinVar:

ClinVar aggregate classification (germline): Likely pathogenic (1 of 4 stars; one submission).

Conditions:
PTPRQ-related disorder. Also called: PTPRQ-related condition.

Submission:

PreventionGenetics, part of Exact Sciences
Classification: Likely pathogenic for PTPRQ-related condition. Last evaluated: 2025-12-23. Review status: criteria provided, single submitter. Criteria: ACMG Guidelines, 2015. Collection method: clinical testing. Allele origin: germline.
Comment: The PTPRQ c.5612+2dupT variant is predicted to result in an intronic duplication. This variant is predicted to alter splicing based on available splicing prediction programs (SpliceAI, Jaganathan et al. 2019. PubMed ID: 30661751). To our knowledge, this variant has not been reported in the literature. This variant is reported in 0.083% of alleles in individuals of Ashkenazi Jewish descent in gnomAD. Variants that disrupt consensus GT donor sites in PTPRQ are expected to be pathogenic. This variant is interpreted as likely pathogenic.

NM_001145026.2(PTPRQ):c.5612+2dup

Gene: PTPRQ (protein tyrosine phosphatase receptor type Q; plus strand). Cytogenetic location: 12q21.31.
Variant type: Duplication.
Coding change: c.5612+2dup on transcript NM_001145026.2 (MANE Select); the canonical splice donor site of the intron after coding-DNA position 5612, one base duplicated (T; older notation c.5612+2dupT).
Molecular consequence: splice donor variant.
Genome position (GRCh38, 1-based): chr12:80,620,378, T duplicated. VCF-style (leftmost placement, unchanged base first): chr12-80620377-G-GT. GRCh37 (hg19) VCF-style: chr12-81014156-G-GT.
Identifiers: ClinVar variation 4980830 (VCV004980830.1).